The following is an entry in ClinVar:

NM_198578.4(LRRK2):c.3282G>T (p.Gln1094His)

Gene: LRRK2 (leucine rich repeat kinase 2; plus strand). Cytogenetic location: 12q12.
Variant type: single nucleotide variant.
Coding change: c.3282G>T on transcript NM_198578.4 (MANE Select); coding-DNA position 3282, G replaced by T.
Protein change: p.Gln1094His; replaces glutamine 1094 with histidine.
Molecular consequence: missense variant.
Genome position (GRCh38, 1-based): chr12:40,298,428, G>T. VCF-style: chr12-40298428-G-T. GRCh37 (hg19) VCF-style: chr12-40692230-G-T.
Other names: short protein forms Q1094H.
Identifiers: ClinVar variation 3540566 (VCV003540566.1).

ClinVar aggregate classification (germline): Uncertain significance (1 of 4 stars; one submission).

Conditions:
Inborn genetic diseases. Identifiers: MedGen C0950123, MeSH D030342.

gnomAD v4.1: 1 of 1,613,900 alleles (0.000062%); highest among the groups gnomAD compares: African/African-American, 0.0013%; no homozygotes.

Submission:

Ambry Genetics
Classification: Uncertain significance for Inborn genetic diseases. Last evaluated: 2024-07-03. Review status: criteria provided, single submitter. Criteria: Ambry Variant Classification Scheme 2023. Collection method: clinical testing. Allele origin: germline.
Comment: The p.Q1094H variant (also known as c.3282G>T), located in coding exon 24 of the LRRK2 gene, results from a G to T substitution at nucleotide position 3282. The glutamine at codon 1094 is replaced by histidine, an amino acid with highly similar properties. This amino acid position is conserved. In addition, this alteration is predicted to be tolerated by in silico analysis. Based on the available evidence, the clinical significance of this variant remains unclear.